The following is an entry in ClinVar:

ClinVar aggregate classification (germline): Uncertain significance (1 of 4 stars; one submission).

Submission:

Labcorp Genetics (formerly Invitae), Labcorp
Classification: Uncertain significance. Last evaluated: 2025-06-03. Review status: criteria provided, single submitter. Criteria: Invitae Variant Classification Sherloc (09022015). Collection method: clinical testing. Allele origin: germline.
Comment: This sequence change affects codon 10 of the NOG mRNA. It is a 'silent' change, meaning that it does not change the encoded amino acid sequence of the NOG protein. This variant is present in population databases (rs770391317, gnomAD 0.02%). This variant has not been reported in the literature in individuals affected with NOG-related conditions. ClinVar contains an entry for this variant (Variation ID: 3624427). Experimental studies and prediction algorithms are not available or were not evaluated, and the effect of this variant on mRNA splicing is currently unknown. In summary, the available evidence is currently insufficient to determine the role of this variant in disease. Therefore, it has been classified as a Variant of Uncertain Significance.

NM_005450.6(NOG):c.30C>T (p.Thr10=)

Gene: NOG (noggin; plus strand). Cytogenetic location: 17q22.
Variant type: single nucleotide variant.
Coding change: c.30C>T on transcript NM_005450.6 (MANE Select); coding-DNA position 30, C replaced by T.
Protein change: p.Thr10=; no amino-acid change (threonine 10 retained).
Molecular consequence: synonymous variant.
Genome position (GRCh38, 1-based): chr17:56,594,253, C>T. VCF-style: chr17-56594253-C-T. GRCh37 (hg19) VCF-style: chr17-54671614-C-T.
Identifiers: ClinVar variation 3624427 (VCV003624427.2).